The following is an entry in ClinVar:

NM_000784.4(CYP27A1):c.504A>T (p.Pro168=)

Gene: CYP27A1 (cytochrome P450 family 27 subfamily A member 1; plus strand). Cytogenetic location: 2q35.
Variant type: single nucleotide variant.
Coding change: c.504A>T on transcript NM_000784.4 (MANE Select); coding-DNA position 504, A replaced by T.
Protein change: p.Pro168=; no amino-acid change (proline 168 retained).
Molecular consequence: synonymous variant.
Genome position (GRCh38, 1-based): chr2:218,812,279, A>T. VCF-style: chr2-218812279-A-T. GRCh37 (hg19) VCF-style: chr2-219677002-A-T.
Identifiers: ClinVar variation 749649 (VCV000749649.32), dbSNP rs142623022, ClinGen allele CA2112627.

ClinVar aggregate classification (germline): Conflicting classifications of pathogenicity. Review status: criteria provided, conflicting classifications (1 of 4 stars). 8 submissions from 8 submitters: Uncertain significance (1); Benign (1); Likely benign (4). 2 of the submissions do not count toward it. Last evaluated 2026-02-01.

Conditions:
CYP27A1-related disorder. Also called: CYP27A1-related condition.
Cholestanol storage disease (CTX). Also called: CEREBRAL CHOLESTERINOSIS; Cerebrotendinous Xanthomatosis; CTX: Cerebrotendinous xanthomatosis. Identifiers: Orphanet 909, MedGen C0238052, MONDO:0008948, OMIM 213700.
Cardiovascular phenotype. Identifiers: MedGen CN230736.

Allele frequency attached by ClinVar (database versions not stated): gnomAD 0.00016; TOPMed 0.00017; ESP Exome Variant Server 0.00023; gnomAD exomes 0.00026; ExAC 0.00027.
gnomAD v4.1: 233 of 1,614,114 alleles (0.014%); highest among the groups gnomAD compares: Non-Finnish European, 0.0064%; 3 homozygotes.

Submissions (8):

Labcorp Genetics (formerly Invitae), Labcorp
Classification: Benign for Cholestanol storage disease. Last evaluated: 2026-02-01. Review status: criteria provided, single submitter. Criteria: Invitae Variant Classification Sherloc (09022015). Collection method: clinical testing. Allele origin: germline.

CeGaT Center for Human Genetics Tuebingen
Classification: Likely benign. Last evaluated: 2025-11-01. Review status: criteria provided, single submitter. Criteria: CeGaT Center For Human Genetics Tuebingen Variant Classification Criteria Version 2. Collection method: clinical testing. Allele origin: germline. Affected: yes. Observed: 3 variant alleles.
Comment: CYP27A1: BP4, BP7

Blueprint Genetics
Classification: Likely benign. Last evaluated: 2024-08-07. Review status: criteria provided, single submitter. Criteria: ACMG Guidelines, 2015. Collection method: clinical testing. Allele origin: germline.

Ambry Genetics
Classification: Likely benign for Cardiovascular phenotype. Last evaluated: 2022-08-10. Review status: criteria provided, single submitter. Criteria: Ambry Variant Classification Scheme 2023. Collection method: clinical testing. Allele origin: germline.

GeneDx
Classification: Likely benign. Last evaluated: 2020-07-10. Review status: criteria provided, single submitter. Criteria: GeneDx Variant Classification Process June 2021. Collection method: clinical testing. Allele origin: germline. Affected: yes.

Illumina Laboratory Services, Illumina
Classification: Uncertain significance for Cholestanol storage disease. Last evaluated: 2018-01-13. Review status: criteria provided, single submitter. Criteria: ICSL Variant Classification Criteria 13 December 2019. Collection method: clinical testing. Allele origin: germline.

PreventionGenetics, part of Exact Sciences
Classification: Likely benign for CYP27A1-related condition. Last evaluated: 2022-11-24. Review status: no assertion criteria provided. Collection method: clinical testing. Allele origin: germline. Not counted in ClinVar's aggregate classification.
Comment: This variant is classified as likely benign based on ACMG/AMP sequence variant interpretation guidelines (Richards et al. 2015 PMID: 25741868, with internal and published modifications).

Natera, Inc.
Classification: Uncertain significance for Cerebrotendinous xanthomatosis. Last evaluated: 2020-01-10. Review status: no assertion criteria provided. Collection method: clinical testing. Allele origin: germline. Not counted in ClinVar's aggregate classification.